The following is an entry in ClinVar:

ClinVar aggregate classification (germline): Uncertain significance (1 of 4 stars; one submission).

gnomAD v4.1: 38 of 1,497,902 alleles (0.0025%); highest among the groups gnomAD compares: African/African-American, 0.041%; no homozygotes.

Submission:

Ambry Genetics
Classification: Uncertain significance. Last evaluated: 2024-05-08. Review status: criteria provided, single submitter. Criteria: Ambry Variant Classification Scheme 2023. Collection method: clinical testing. Allele origin: germline.
Comment: The c.101G>A (p.R34Q) alteration is located in exon (coding exon ) of the SH3RF3 gene. This alteration results from a G to A substitution at nucleotide position 101, causing the arginine (R) at amino acid position 34 to be replaced by a glutamine (Q). Based on insufficient or conflicting evidence, the clinical significance of this alteration remains unclear.

NM_001099289.3(SH3RF3):c.101G>A (p.Arg34Gln)

Genes: RANBP2 (RAN binding protein 2; plus strand), SH3RF3 (SH3 domain containing ring finger 3; plus strand), SH3RF3-AS1 (SH3RF3 antisense RNA 1; minus strand). Cytogenetic location: 2q13.
Variant type: single nucleotide variant.
Coding change: c.101G>A on transcript NM_001099289.3 (MANE Select); coding-DNA position 101, G replaced by A.
Protein change: p.Arg34Gln; replaces arginine 34 with glutamine.
Molecular consequence: missense variant. On other transcripts: non-coding transcript variant (1).
Genome position (GRCh38, 1-based): chr2:109,129,641, G>A. VCF-style: chr2-109129641-G-A. GRCh37 (hg19) VCF-style: chr2-109746097-G-A.
Other names: short protein forms R34Q.
Identifiers: ClinVar variation 3318138 (VCV003318138.1).